The following is an entry in ClinVar:

NM_001009944.3(PKD1):c.10236del (p.Ser3413fs)

Gene: PKD1 (polycystin 1, transient receptor potential channel interacting; minus strand). Cytogenetic location: 16p13.3.
Variant type: Deletion.
Coding change: c.10236del on transcript NM_001009944.3 (MANE Select); coding-DNA position 10236, one base deleted (C; older notation c.10236delC).
Protein change: p.Ser3413fs; shifts the reading frame from serine 3413.
Molecular consequence: frameshift variant.
Genome position (GRCh38, 1-based): chr16:2,097,488, G deleted on the plus strand (C on the coding strand, the reverse complement: PKD1 is on the minus strand); the first of 3 consecutive G bases (chr16:2,097,488-2,097,490); deleting any one gives the same sequence. VCF-style (leftmost placement, unchanged base first): chr16-2097487-AG-A. GRCh37 (hg19) VCF-style: chr16-2147488-AG-A.
Other names: p.Ser3413Profs*60; c.10233del, p.Ser3412fs (NM_000296.4); short protein forms S3412fs, S3413fs.
Identifiers: ClinVar variation 2683672 (VCV002683672.1), dbSNP rs2544689115, ClinGen allele CA2697549569.
Genomic context (GRCh38, chr16:2,097,487, plus strand): 5'-TGCTACCCACAATGGACGGGTCACTGAGCAGGTCCGGCCAACTGAGCGTTCCCTCGCCGG[AG>A]GGCCAGCACACCAGACTGCAGGTGGCGCGGGTCAGCAAGGTACCAGGGGATGTGTCACAC-3'

ClinVar aggregate classification (germline): Likely pathogenic (1 of 4 stars; one submission).

Submission:

Mayo Clinic Laboratories, Mayo Clinic
Classification: Likely pathogenic. Last evaluated: 2023-03-31. Review status: criteria provided, single submitter. Criteria: ACMG Guidelines, 2015. Collection method: clinical testing. Allele origin: germline. Observed: 2 variant alleles.
Comment: PM2_supporting, PVS1